The following is an entry in ClinVar:

ClinVar aggregate classification (germline): Likely benign. Review status: criteria provided, multiple submitters, no conflicts (2 of 4 stars). 4 submissions from 4 submitters: Likely benign (4). Last evaluated 2026-01-02.

Conditions:
Cardiovascular phenotype. Identifiers: MedGen CN230736.
X-linked myopathy with postural muscle atrophy. Also called: FHL1-Related Emery-Dreifuss Muscular Dystrophy, X-Linked. Identifiers: Orphanet 178461, MedGen C2678055, MONDO:0010401, OMIM 300696.

Allele frequency attached by ClinVar (database versions not stated): ExAC 0.00001.
gnomAD v4.1: 10 of 1,211,492 alleles (0.00083%); highest among the groups gnomAD compares: Middle Eastern, 0.023%; no homozygotes.

Submissions (4):

Women's Health and Genetics/Laboratory Corporation of America, LabCorp
Classification: Likely benign. Last evaluated: 2026-01-02. Review status: criteria provided, single submitter. Criteria: LabCorp Variant Classification Summary - May 2015. Collection method: clinical testing. Allele origin: germline.
Comment: Variant summary: FHL1 NM_001159702.3 c.*32G>A is located in the untranslated mRNA region downstream of the termination codon. This variant, also annotated as NM_001449.5 c.804G>A (p.Gln268Gln), results in a synonymous change. Consensus agreement among computation tools predict no significant impact on normal splicing. However, these predictions have yet to be confirmed by functional studies. The variant allele was found at a frequency of 8.3e-06 in 1211492 control chromosomes in the gnomAD database (v4.1 dataset), including 3 hemizygotes. To our knowledge, no occurrence of c.*32G>A in individuals affected with FHL1-related conditions and no experimental evidence demonstrating its impact on protein function have been reported. ClinVar contains an entry for this variant (Variation ID: 1695317). Based on the evidence outlined above, the variant was classified as likely benign.

Labcorp Genetics (formerly Invitae), Labcorp
Classification: Likely benign for X-linked myopathy with postural muscle atrophy. Last evaluated: 2025-06-22. Review status: criteria provided, single submitter. Criteria: Invitae Variant Classification Sherloc (09022015). Collection method: clinical testing. Allele origin: germline.

CeGaT Center for Human Genetics Tuebingen
Classification: Likely benign. Last evaluated: 2022-05-01. Review status: criteria provided, single submitter. Criteria: Praxis fuer Humangenetik Tuebingen - Variant Classification Criteria. Collection method: clinical testing. Allele origin: germline. Affected: yes. Observed: 1 variant allele.

Ambry Genetics
Classification: Likely benign for Cardiovascular phenotype. Last evaluated: 2022-01-23. Review status: criteria provided, single submitter. Criteria: Ambry Variant Classification Scheme 2023. Collection method: clinical testing. Allele origin: germline.

NM_001159699.2(FHL1):c.852G>A (p.Gln284=)

Gene: FHL1 (four and a half LIM domains 1; plus strand). Cytogenetic location: Xq26.3.
Variant type: single nucleotide variant.
Coding change: c.852G>A on transcript NM_001159699.2 (MANE Select); coding-DNA position 852, G replaced by A.
Protein change: p.Gln284=; no amino-acid change (glutamine 284 retained).
Molecular consequence: synonymous variant. On other transcripts: 3 prime UTR variant (6), non-coding transcript variant (1).
Genome position (GRCh38, 1-based): chrX:136,209,986, G>A. VCF-style: chrX-136209986-G-A. GRCh37 (hg19) VCF-style: chrX-135292145-G-A.
Other names: c.804G>A, p.Gln268= (NM_001159700.2, NM_001159704.1, NM_001167819.1 and 4 more transcripts); c.891G>A, p.Gln297= (NM_001159701.2); c.*32G>A (NM_001159702.3, NM_001159703.2, NM_001330659.2 and 3 more transcripts).
Identifiers: ClinVar variation 1695317 (VCV001695317.9), dbSNP rs774024150, ClinGen allele CA10525133.